The following is an entry in ClinVar:

NM_021930.6(RINT1):c.1208A>T (p.Asp403Val)

Gene: RINT1 (RAD50 interactor 1; plus strand). Cytogenetic location: 7q22.3.
Variant type: single nucleotide variant.
Coding change: c.1208A>T on transcript NM_021930.6 (MANE Select); coding-DNA position 1208, A replaced by T.
Protein change: p.Asp403Val; replaces aspartic acid 403 with valine.
Molecular consequence: missense variant. On other transcripts: non-coding transcript variant (1).
Genome position (GRCh38, 1-based): chr7:105,550,361, A>T. VCF-style: chr7-105550361-A-T. GRCh37 (hg19) VCF-style: chr7-105190808-A-T.
Other names: c.974A>T, p.Asp325Val (NM_001346599.2); c.185A>T, p.Asp62Val (NM_001346600.2, NM_001346603.2); c.284A>T, p.Asp95Val (NM_001346601.2); short protein forms D403V, D95V, D62V, D325V.
Identifiers: ClinVar variation 1749220 (VCV001749220.3), dbSNP rs747055027, ClinGen allele CA164057584.

ClinVar aggregate classification (germline): Uncertain significance (1 of 4 stars; one submission).

Allele frequency attached by ClinVar (database versions not stated): TOPMed below 0.00001.
gnomAD v4.1: 1 of 1,614,008 alleles (0.000062%); no homozygotes.

Submission:

Ambry Genetics
Classification: Uncertain significance. Last evaluated: 2025-01-03. Review status: criteria provided, single submitter. Criteria: Ambry Variant Classification Scheme 2023. Collection method: clinical testing. Allele origin: germline.
Comment: The p.D403V variant (also known as c.1208A>T), located in coding exon 9 of the RINT1 gene, results from an A to T substitution at nucleotide position 1208. The aspartic acid at codon 403 is replaced by valine, an amino acid with highly dissimilar properties. This amino acid position is conserved. In addition, the in silico prediction for this alteration is inconclusive. Since supporting evidence is limited at this time, the clinical significance of this alteration remains unclear.